The following is an entry in ClinVar:

ClinVar aggregate classification (germline): Uncertain significance (1 of 4 stars; one submission).

Conditions:
Alpha thalassemia-X-linked intellectual disability syndrome (ATRX). Also called: ALPHA-THALASSEMIA/MENTAL RETARDATION SYNDROME, X-LINKED; ATR, NONDELETION TYPE; ATR-X syndrome; Alpha thalassemia mental retardation syndrome, nondeletion type, X-linked; XLMR hypotonic face syndrome; X-linked alpha-thalassemia-mental retardation syndrome. Identifiers: Orphanet 847, MedGen C1845055, MONDO:0010519, OMIM 301040.

Allele frequency attached by ClinVar (database versions not stated): gnomAD exomes 0.00001.
gnomAD v4.1: 4 of 1,211,798 alleles (0.00033%); highest among the groups gnomAD compares: Non-Finnish European, 0.00045%; no homozygotes.

Submission:

Labcorp Genetics (formerly Invitae), Labcorp
Classification: Uncertain significance for Alpha thalassemia-X-linked intellectual disability syndrome. Last evaluated: 2024-05-23. Review status: criteria provided, single submitter. Criteria: Invitae Variant Classification Sherloc (09022015). Collection method: clinical testing. Allele origin: germline.
Comment: This sequence change replaces lysine, which is basic and polar, with threonine, which is neutral and polar, at codon 955 of the ATRX protein (p.Lys955Thr). This variant is not present in population databases (gnomAD no frequency). This variant has not been reported in the literature in individuals affected with ATRX-related conditions. ClinVar contains an entry for this variant (Variation ID: 1945156). Advanced modeling of protein sequence and biophysical properties (such as structural, functional, and spatial information, amino acid conservation, physicochemical variation, residue mobility, and thermodynamic stability) performed at Invitae indicates that this missense variant is not expected to disrupt ATRX protein function with a negative predictive value of 95%. In summary, the available evidence is currently insufficient to determine the role of this variant in disease. Therefore, it has been classified as a Variant of Uncertain Significance.

NM_000489.6(ATRX):c.2864A>C (p.Lys955Thr)

Gene: ATRX (ATRX chromatin remodeler; minus strand). Cytogenetic location: Xq21.1.
Variant type: single nucleotide variant.
Coding change: c.2864A>C on transcript NM_000489.6 (MANE Select); coding-DNA position 2864, A replaced by C.
Protein change: p.Lys955Thr; replaces lysine 955 with threonine.
Molecular consequence: missense variant.
Genome position (GRCh38, 1-based): chrX:77,682,392, T>G on the plus strand (A>C on the coding strand, the complement: ATRX is on the minus strand). VCF-style: chrX-77682392-T-G. GRCh37 (hg19) VCF-style: chrX-76937884-T-G.
Other names: c.2750A>C, p.Lys917Thr (NM_138270.5); short protein forms K955T, K917T.
Identifiers: ClinVar variation 1945156 (VCV001945156.4), dbSNP rs781927008, ClinGen allele CA331569010.